The following is an entry in ClinVar:

ClinVar aggregate classification (germline): Uncertain significance (1 of 4 stars; one submission).

Allele frequency attached by ClinVar (database versions not stated): gnomAD exomes below 0.00001.
gnomAD v4.1: 2 of 1,613,654 alleles (0.00012%); highest among the groups gnomAD compares: Non-Finnish European, 0.000085%; no homozygotes.

Submission:

Labcorp Genetics (formerly Invitae), Labcorp
Classification: Uncertain significance. Last evaluated: 2025-04-10. Review status: criteria provided, single submitter. Criteria: Invitae Variant Classification Sherloc (09022015). Collection method: clinical testing. Allele origin: germline.
Comment: This sequence change replaces lysine, which is basic and polar, with glutamic acid, which is acidic and polar, at codon 314 of the IL23R protein (p.Lys314Glu). This variant is not present in population databases (gnomAD no frequency). This variant has not been reported in the literature in individuals affected with IL23R-related conditions. ClinVar contains an entry for this variant (Variation ID: 2005325). An algorithm developed to predict the effect of missense changes on protein structure and function (PolyPhen-2) suggests that this variant is likely to be tolerated. In summary, the available evidence is currently insufficient to determine the role of this variant in disease. Therefore, it has been classified as a Variant of Uncertain Significance.

NM_144701.3(IL23R):c.940A>G (p.Lys314Glu)

Gene: IL23R (interleukin 23 receptor; plus strand). Cytogenetic location: 1p31.3.
Variant type: single nucleotide variant.
Coding change: c.940A>G on transcript NM_144701.3 (MANE Select); coding-DNA position 940, A replaced by G.
Protein change: p.Lys314Glu; replaces lysine 314 with glutamic acid.
Molecular consequence: missense variant.
Genome position (GRCh38, 1-based): chr1:67,219,715, A>G. VCF-style: chr1-67219715-A-G. GRCh37 (hg19) VCF-style: chr1-67685398-A-G.
Other names: short protein forms K314E.
Identifiers: ClinVar variation 2005325 (VCV002005325.4), dbSNP rs2525409860, ClinGen allele CA340731303.